The following is an entry in ClinVar:

NM_001876.4(CPT1A):c.741G>A (p.Pro247=)

Gene: CPT1A (carnitine palmitoyltransferase 1A; minus strand). Cytogenetic location: 11q13.3.
Variant type: single nucleotide variant.
Coding change: c.741G>A on transcript NM_001876.4 (MANE Select); coding-DNA position 741, G replaced by A.
Protein change: p.Pro247=; no amino-acid change (proline 247 retained).
Molecular consequence: synonymous variant.
Genome position (GRCh38, 1-based): chr11:68,796,886, C>T on the plus strand (G>A on the coding strand, the complement: CPT1A is on the minus strand). VCF-style: chr11-68796886-C-T. GRCh37 (hg19) VCF-style: chr11-68564354-C-T.
Other names: c.741G>A, p.Pro247= (NM_001031847.3).
Identifiers: ClinVar variation 1125045 (VCV001125045.32), dbSNP rs1034760579, ClinGen allele CA223387775.

ClinVar aggregate classification (germline): Likely benign. Review status: criteria provided, multiple submitters, no conflicts (2 of 4 stars). 2 submissions from 2 submitters: Likely benign (2). Last evaluated 2026-01-26.

Conditions:
Carnitine palmitoyl transferase 1A deficiency. Also called: Carnitine palmitoyltransferase type I deficiency; CPT deficiency, hepatic, type IA; CPT I DEFICIENCY; CPT DEFICIENCY, HEPATIC, TYPE I; Carnitine palmitoyltransferase 1A deficiency. Identifiers: Orphanet 156, MedGen C1829703, MONDO:0009705, OMIM 255120.

Allele frequency attached by ClinVar (database versions not stated): gnomAD exomes below 0.00001 and 0.00001; TOPMed 0.00002; gnomAD 0.00003.
gnomAD v4.1: 11 of 1,613,936 alleles (0.00068%); highest among the groups gnomAD compares: African/African-American, 0.0093%; no homozygotes.

Submissions (2):

Labcorp Genetics (formerly Invitae), Labcorp
Classification: Likely benign for Carnitine palmitoyl transferase 1A deficiency. Last evaluated: 2026-01-26. Review status: criteria provided, single submitter. Criteria: Invitae Variant Classification Sherloc (09022015). Collection method: clinical testing. Allele origin: germline.

CeGaT Center for Human Genetics Tuebingen
Classification: Likely benign. Last evaluated: 2022-05-01. Review status: criteria provided, single submitter. Criteria: CeGaT Center For Human Genetics Tuebingen Variant Classification Criteria Version 2. Collection method: clinical testing. Allele origin: germline. Affected: yes. Observed: 1 variant allele.
Comment: CPT1A: BP4, BP7